The following is an entry in ClinVar:

ClinVar aggregate classification (germline): Uncertain significance (1 of 4 stars; one submission).

Allele frequency attached by ClinVar (database versions not stated): gnomAD exomes below 0.00001; ExAC 0.00001; gnomAD 0.00001; TOPMed 0.00001; ESP Exome Variant Server 0.00008.
gnomAD v4.1: 4 of 1,610,496 alleles (0.00025%); highest among the groups gnomAD compares: Non-Finnish European, 0.00034%; no homozygotes.

Submission:

Labcorp Genetics (formerly Invitae), Labcorp
Classification: Uncertain significance. Last evaluated: 2021-09-25. Review status: criteria provided, single submitter. Criteria: Invitae Variant Classification Sherloc (09022015). Collection method: clinical testing. Allele origin: germline.
Comment: This sequence change replaces proline with arginine at codon 1085 of the SBF1 protein (p.Pro1085Arg). The proline residue is weakly conserved and there is a moderate physicochemical difference between proline and arginine. This variant is present in population databases (rs374067780, ExAC no frequency). This variant has not been reported in the literature in individuals affected with SBF1-related conditions. Algorithms developed to predict the effect of missense changes on protein structure and function (SIFT, PolyPhen-2, Align-GVGD) all suggest that this variant is likely to be tolerated. In summary, the available evidence is currently insufficient to determine the role of this variant in disease. Therefore, it has been classified as a Variant of Uncertain Significance.

NM_002972.4(SBF1):c.3254C>G (p.Pro1085Arg)

Gene: SBF1 (SET binding factor 1; minus strand). Cytogenetic location: 22q13.33.
Variant type: single nucleotide variant.
Coding change: c.3254C>G on transcript NM_002972.4 (MANE Select); coding-DNA position 3254, C replaced by G.
Protein change: p.Pro1085Arg; replaces proline 1085 with arginine.
Molecular consequence: missense variant.
Genome position (GRCh38, 1-based): chr22:50,460,301, G>C on the plus strand (C>G on the coding strand, the complement: SBF1 is on the minus strand). VCF-style: chr22-50460301-G-C. GRCh37 (hg19) VCF-style: chr22-50898730-G-C.
Other names: c.3257C>G, p.Pro1086Arg (NM_001365819.1); short protein forms P1086R, P1085R.
Identifiers: ClinVar variation 1432894 (VCV001432894.6), dbSNP rs374067780, ClinGen allele CA10316802.